The following is an entry in ClinVar:

NM_000428.3(LTBP2):c.1790-6C>T

Gene: LTBP2 (latent transforming growth factor beta binding protein 2; minus strand). Cytogenetic location: 14q24.3.
Variant type: single nucleotide variant.
Coding change: c.1790-6C>T on transcript NM_000428.3 (MANE Select); 6 bases into the intron before coding-DNA position 1790, C replaced by T.
Molecular consequence: intron variant.
Genome position (GRCh38, 1-based): chr14:74,536,006, G>A on the plus strand (C>T on the coding strand, the complement: LTBP2 is on the minus strand). VCF-style: chr14-74536006-G-A. GRCh37 (hg19) VCF-style: chr14-75002709-G-A.
Identifiers: ClinVar variation 2100080 (VCV002100080.4), dbSNP rs1179327122, ClinGen allele CA708505692.

ClinVar aggregate classification (germline): Uncertain significance (1 of 4 stars; one submission).

Allele frequency attached by ClinVar (database versions not stated): TOPMed below 0.00001.

Submission:

Labcorp Genetics (formerly Invitae), Labcorp
Classification: Uncertain significance. Last evaluated: 2022-02-20. Review status: criteria provided, single submitter. Criteria: Invitae Variant Classification Sherloc (09022015). Collection method: clinical testing. Allele origin: germline.
Comment: In summary, the available evidence is currently insufficient to determine the role of this variant in disease. Therefore, it has been classified as a Variant of Uncertain Significance. Algorithms developed to predict the effect of sequence changes on RNA splicing suggest that this variant may create or strengthen a splice site. This variant has not been reported in the literature in individuals affected with LTBP2-related conditions. This variant is not present in population databases (gnomAD no frequency). This sequence change falls in intron 8 of the LTBP2 gene. It does not directly change the encoded amino acid sequence of the LTBP2 protein.